The following is an entry in ClinVar:

ClinVar aggregate classification (germline): Uncertain significance. Review status: criteria provided, multiple submitters, no conflicts (2 of 4 stars). 2 submissions from 2 submitters: Uncertain significance (2). Last evaluated 2023-10-09.

Conditions:
Benign neonatal seizures. Also called: Benign neonatal familial convulsions; Benign familial neonatal epilepsy; Benign familial neonatal seizures; Convulsions benign familial neonatal dominant form; Autosomal dominant form of benign neonatal seizures. Identifiers: Orphanet 1949, MedGen C0220669, MONDO:0016027.

Allele frequency attached by ClinVar (database versions not stated): gnomAD 0.00001; gnomAD exomes 0.00001; TOPMed 0.00002.
gnomAD v4.1: 16 of 1,612,314 alleles (0.00099%); highest among the groups gnomAD compares: East Asian, 0.0022%; no homozygotes.

Submissions (2):

Labcorp Genetics (formerly Invitae), Labcorp
Classification: Uncertain significance for Benign neonatal seizures. Last evaluated: 2023-10-09. Review status: criteria provided, single submitter. Criteria: Invitae Variant Classification Sherloc (09022015). Collection method: clinical testing. Allele origin: germline.
Comment: This sequence change replaces alanine, which is neutral and non-polar, with threonine, which is neutral and polar, at codon 418 of the KCNQ3 protein (p.Ala418Thr). This variant is present in population databases (no rsID available, gnomAD 0.003%). This variant has not been reported in the literature in individuals affected with KCNQ3-related conditions. Advanced modeling of protein sequence and biophysical properties (such as structural, functional, and spatial information, amino acid conservation, physicochemical variation, residue mobility, and thermodynamic stability) performed at Invitae indicates that this missense variant is not expected to disrupt KCNQ3 protein function. In summary, the available evidence is currently insufficient to determine the role of this variant in disease. Therefore, it has been classified as a Variant of Uncertain Significance.

CeGaT Center for Human Genetics Tuebingen
Classification: Uncertain significance. Last evaluated: 2022-07-01. Review status: criteria provided, single submitter. Criteria: CeGaT Center For Human Genetics Tuebingen Variant Classification Criteria Version 2. Collection method: clinical testing. Allele origin: germline. Affected: yes. Observed: 1 variant allele.

NM_004519.4(KCNQ3):c.1252G>A (p.Ala418Thr)

Gene: KCNQ3 (potassium voltage-gated channel subfamily Q member 3; minus strand). Cytogenetic location: 8q24.22.
Variant type: single nucleotide variant.
Coding change: c.1252G>A on transcript NM_004519.4 (MANE Select); coding-DNA position 1252, G replaced by A.
Protein change: p.Ala418Thr; replaces alanine 418 with threonine.
Molecular consequence: missense variant.
Genome position (GRCh38, 1-based): chr8:132,163,478, C>T on the plus strand (G>A on the coding strand, the complement: KCNQ3 is on the minus strand). VCF-style: chr8-132163478-C-T. GRCh37 (hg19) VCF-style: chr8-133175725-C-T.
Other names: c.892G>A, p.Ala298Thr (NM_001204824.2); short protein forms A298T, A418T.
Identifiers: ClinVar variation 2658823 (VCV002658823.26), dbSNP rs1479702428, ClinGen allele CA372289531.